The following is an entry in ClinVar:

ClinVar aggregate classification (germline): Uncertain significance (1 of 4 stars; one submission).

Conditions:
Hereditary cancer-predisposing syndrome. Also called: Neoplastic Syndromes, Hereditary; Tumor predisposition; Hereditary Cancer Syndrome; Hereditary neoplastic syndrome. Identifiers: Orphanet 140162, MedGen C0027672, MeSH D009386, MONDO:0015356.

Submission:

Ambry Genetics
Classification: Uncertain significance for Hereditary cancer-predisposing syndrome. Last evaluated: 2026-04-04. Review status: criteria provided, single submitter. Criteria: Ambry Variant Classification Scheme 2023. Collection method: clinical testing. Allele origin: germline.
Comment: The p.S1448T variant (also known as c.4342T>A), located in coding exon 29 of the ALK gene, results from a T to A substitution at nucleotide position 4342. The serine at codon 1448 is replaced by threonine, an amino acid with similar properties. This amino acid position is conserved. In addition, this alteration is predicted to be tolerated by in silico analysis. Based on the available evidence, the clinical significance of this variant remains unclear.

NM_004304.5(ALK):c.4342T>A (p.Ser1448Thr)

Gene: ALK (ALK receptor tyrosine kinase; minus strand). Cytogenetic location: 2p23.2.
Variant type: single nucleotide variant.
Coding change: c.4342T>A on transcript NM_004304.5 (MANE Select); coding-DNA position 4342, T replaced by A.
Protein change: p.Ser1448Thr; replaces serine 1448 with threonine.
Molecular consequence: missense variant.
Genome position (GRCh38, 1-based): chr2:29,193,745, A>T on the plus strand (T>A on the coding strand, the complement: ALK is on the minus strand). VCF-style: chr2-29193745-A-T. GRCh37 (hg19) VCF-style: chr2-29416611-A-T.
Other names: c.1138T>A, p.Ser380Thr (NM_001353765.2); short protein forms S1448T, S380T.
Identifiers: ClinVar variation 4869564 (VCV004869564.1).